The following is an entry in ClinVar:

NM_001458.5(FLNC):c.6325A>G (p.Ile2109Val)

Genes: FLNC-AS1 (FLNC antisense RNA 1; minus strand), FLNC (filamin C; plus strand). Cytogenetic location: 7q32.1.
Variant type: single nucleotide variant.
Coding change: c.6325A>G on transcript NM_001458.5 (MANE Select); coding-DNA position 6325, A replaced by G.
Protein change: p.Ile2109Val; replaces isoleucine 2109 with valine.
Molecular consequence: missense variant.
Genome position (GRCh38, 1-based): chr7:128,853,585, A>G. VCF-style: chr7-128853585-A-G. GRCh37 (hg19) VCF-style: chr7-128493639-A-G.
Other names: c.6226A>G, p.Ile2076Val (NM_001127487.2); short protein forms I2109V, I2076V.
Identifiers: ClinVar variation 574563 (VCV000574563.10), dbSNP rs755736125, ClinGen allele CA4475943.

ClinVar aggregate classification (germline): Uncertain significance. Review status: criteria provided, multiple submitters, no conflicts (2 of 4 stars). 3 submissions from 3 submitters: Uncertain significance (3). Last evaluated 2025-04-09.

Conditions:
Myofibrillar myopathy 5. Also called: FILAMINOPATHY, AUTOSOMAL DOMINANT; Filaminopathy (type). Identifiers: Orphanet 171445, MedGen C1836050, MONDO:0012289, OMIM 609524.
Hypertrophic cardiomyopathy 26. Also called: Cardiomyopathy, familial hypertrophic, 26. Identifiers: Orphanet 75249, MedGen C4310749, MONDO:0014883, OMIM 617047.
Dilated Cardiomyopathy, Dominant.
Distal myopathy with posterior leg and anterior hand involvement. Also called: WILLIAMS DISTAL MYOPATHY. Identifiers: Orphanet 63273, MedGen C3279722, MONDO:0013550, OMIM 614065.
Cardiovascular phenotype. Identifiers: MedGen CN230736.

Allele frequency attached by ClinVar (database versions not stated): ExAC 0.00002; gnomAD 0.00002 and 0.00003; gnomAD exomes 0.00002; TOPMed 0.00003.
gnomAD v4.1: 16 of 1,614,012 alleles (0.00099%); highest among the groups gnomAD compares: Admixed American, 0.0017%; no homozygotes.

Submissions (3):

Molecular Diagnostic Laboratory for Inherited Cardiovascular Disease, Montreal Heart Institute
Classification: Uncertain significance for Cardiovascular phenotype. Last evaluated: 2025-04-09. Review status: criteria provided, single submitter. Criteria: ACMG Guidelines, 2015. Collection method: clinical testing. Allele origin: germline. Affected: yes.
Comment: PM2, BP4

Labcorp Genetics (formerly Invitae), Labcorp
Classification: Uncertain significance for Distal myopathy with posterior leg and anterior hand involvement; Myofibrillar myopathy 5; Hypertrophic cardiomyopathy 26. Last evaluated: 2024-12-08. Review status: criteria provided, single submitter. Criteria: Invitae Variant Classification Sherloc (09022015). Collection method: clinical testing. Allele origin: germline.
Comment: This sequence change replaces isoleucine, which is neutral and non-polar, with valine, which is neutral and non-polar, at codon 2109 of the FLNC protein (p.Ile2109Val). This variant is present in population databases (rs755736125, gnomAD 0.004%). This missense change has been observed in individual(s) with clinical features of FLNC-related conditions (PMID: 34601126). ClinVar contains an entry for this variant (Variation ID: 574563). An algorithm developed to predict the effect of missense changes on protein structure and function outputs the following: PolyPhen-2: "Benign". The valine amino acid residue is found in multiple mammalian species, which suggests that this missense change does not adversely affect protein function. In summary, the available evidence is currently insufficient to determine the role of this variant in disease. Therefore, it has been classified as a Variant of Uncertain Significance.

Ambry Genetics
Classification: Uncertain significance for Cardiovascular phenotype. Last evaluated: 2023-06-02. Review status: criteria provided, single submitter. Criteria: Ambry Variant Classification Scheme 2023. Collection method: clinical testing. Allele origin: germline.
Comment: The p.I2109V variant (also known as c.6325A>G), located in coding exon 38 of the FLNC gene, results from an A to G substitution at nucleotide position 6325. The isoleucine at codon 2109 is replaced by valine, an amino acid with highly similar properties. This variant has been detected in an arrhythmogenic cardiomyopathy cohort; however, details were not provided (Celeghin R et al. Heart Rhythm. 2022 Feb;19(2):235-243). This amino acid position is not well conserved in available vertebrate species. In addition, this alteration is predicted to be tolerated by in silico analysis. Since supporting evidence is limited at this time, the clinical significance of this alteration remains unclear.

Literature cited by the submitters: PubMed 34601126 (cited by Labcorp Genetics (formerly Invitae), Labcorp and Ambry Genetics).